The following is an entry in ClinVar:

NM_003742.4(ABCB11):c.3382C>T (p.Arg1128Cys)

Gene: ABCB11 (ATP binding cassette subfamily B member 11; minus strand). Cytogenetic location: 2q31.1.
Variant type: single nucleotide variant.
Coding change: c.3382C>T on transcript NM_003742.4 (MANE Select); coding-DNA position 3382, C replaced by T.
Protein change: p.Arg1128Cys; replaces arginine 1128 with cysteine.
Molecular consequence: missense variant.
Genome position (GRCh38, 1-based): chr2:168,930,694, G>A on the plus strand (C>T on the coding strand, the complement: ABCB11 is on the minus strand). VCF-style: chr2-168930694-G-A. GRCh37 (hg19) VCF-style: chr2-169787204-G-A.
Other names: c.3382C>T, p.Arg1128Cys (LRG_1199t1); short protein forms R1128C.
Identifiers: ClinVar variation 639640 (VCV000639640.25), dbSNP rs764581483, ClinGen allele CA1951042.

ClinVar aggregate classification (germline): Pathogenic. Review status: criteria provided, multiple submitters, no conflicts (2 of 4 stars). 15 submissions from 15 submitters: Pathogenic (14). 1 of the submissions does not count toward it. Last evaluated 2026-08-19.

Conditions:
Progressive familial intrahepatic cholestasis (PFIC). Also called: Progressive intrahepatic cholestasis; Progressive family intrahepatic cholestasis. Identifiers: Orphanet 172, MedGen C0268312, MONDO:0015762.
ABCB11-related disorder. Also called: ABCB11-related condition.
Benign recurrent intrahepatic cholestasis type 2 (BRIC2). Also called: Recurrent familial intrahepatic cholestasis 2. Identifiers: Orphanet 65682, Orphanet 99961, MedGen C2608083, MONDO:0011559, OMIM 605479.
Progressive familial intrahepatic cholestasis type 2. Identifiers: Orphanet 79304, MedGen C3489789, MONDO:0011156, OMIM 601847.
Familial intrahepatic cholestasis. Identifiers: Orphanet 284385, MedGen CN296401, MONDO:0017290.

Allele frequency attached by ClinVar (database versions not stated): gnomAD exomes below 0.00001; TOPMed 0.00001.
gnomAD v4.1: 7 of 1,576,442 alleles (0.00044%); highest among the groups gnomAD compares: South Asian, 0.0012%; no homozygotes.

Submissions (15):

Molecular Genetics Laboratory, CHU Lille
Classification: Pathogenic for Progressive familial intrahepatic cholestasis type 2. Last evaluated: 2026-08-19. Review status: criteria provided, single submitter. Criteria: ACMG Guidelines, 2015. Collection method: clinical testing. Allele origin: germline. Affected: yes.
Comment: The variant is a missense variant in ABCB11. Furthermore, it is present at an extremely low frequency in gnomAD (only heterozygous carriers). In summary, this variant meets the criteria to be classified as pathogenic for PFIC2 based on the applied ACMG/AMP guidelines (PP5, PM5, PM1, PM2).

Genomenon, Inc
Classification: Pathogenic for Familial intrahepatic cholestasis. Last evaluated: 2026-04-14. Review status: criteria provided, single submitter. Criteria: Genomenon Sequence Variant Interpretation Standards - Updated. Collection method: curation. Allele origin: germline. Affected: yes.
Comment: ABCB11 p.Arg1128Cys (c.3382C>T) is a missense variant that changes the amino acid at residue 1128 from Arginine to Cysteine. This variant has been observed in at least one proband with an ABCB11-related disorder (PMID:39143102;37697751;36995996;33915153;32087350;29238877;28039895;18639688;18395098;20232290). The variant was found to segregate with disease in at least one affected family (PMID:33915153;18395098;20232290). At least one functional study has demonstrated a substantial alteration in protein function relative to the wild-type (PMID:40508041;40195555). Splicing studies have been reported (PMID:19101985). It is absent or not present at a significant frequency in gnomAD. In silico models predict that this variant is possibly or probably damaging. In conclusion, we classify ABCB11 p.Arg1128Cys (c.3382C>T) as a pathogenic variant.

Immunogenetics and Transplant Biology Service, University Hospital "Città della Salute e della Scienza di Torino"
Classification: Pathogenic for Benign recurrent intrahepatic cholestasis type 2; Progressive familial intrahepatic cholestasis type 2. Last evaluated: 2025-06-28. Review status: criteria provided, single submitter. Criteria: ACMG Guidelines, 2015. Collection method: clinical testing. Allele origin: germline. Affected: yes.

Natera, Inc.
Classification: Pathogenic for Progressive familial intrahepatic cholestasis type 2. Last evaluated: 2025-01-10. Review status: criteria provided, single submitter. Criteria: Natera Variant Classification Schema (03/2026). Collection method: clinical testing. Allele origin: germline.
Comment: The c.3382C>T variant in ABCB11 is a missense variant predicted to cause substitution of arginine to cysteine at amino acid 1128. This variant is rare in the general population with a frequency below the threshold expected for the associated phenotype(s). This variant has been observed in one or more individuals affected with the associated recessive disease, as either homozygous or compound heterozygous with a second variant (PMID: 28039895). Additionally, this variant has been observed to segregate in affected family members (PMID: 18395098, 20232290). Functional studies show that this variant may disrupt protein function (PMID: 19101985). Computational prediction algorithms indicate this variant is likely to affect gene or protein function. Given the available evidence, this variant is classified as Pathogenic.

Women's Health and Genetics/Laboratory Corporation of America, LabCorp
Classification: Pathogenic for Progressive familial intrahepatic cholestasis. Last evaluated: 2024-11-18. Review status: criteria provided, single submitter. Criteria: LabCorp Variant Classification Summary - May 2015. Collection method: clinical testing. Allele origin: germline.
Comment: Variant summary: ABCB11 c.3382C>T (p.Arg1128Cys) results in a non-conservative amino acid change located in the ABC transporter-like, ATP-binding domain of the encoded protein sequence. Five of five in-silico tools predict a damaging effect of the variant on protein function. The variant allele was found at a frequency of 1.7e-05 in 237980 control chromosomes. c.3382C>T has been reported in the literature in multiple compound heterozygous or homozygous individuals affected with Familial Intrahepatic Cholestasis (e.g., Cheema_2023, Strautnieks_2008). These data indicate that the variant is very likely to be associated with disease. The following publications have been ascertained in the context of this evaluation (PMID: 37697751, 18395098). ClinVar contains an entry for this variant (Variation ID: 639640). Based on the evidence outlined above, the variant was classified as pathogenic.

Revvity Omics, Revvity
Classification: Pathogenic. Last evaluated: 2024-10-08. Review status: criteria provided, single submitter. Criteria: ACMG Guidelines, 2015. Collection method: clinical testing. Allele origin: germline.

GeneDx
Classification: Pathogenic. Last evaluated: 2024-07-26. Review status: criteria provided, single submitter. Criteria: GeneDx Variant Classification Process June 2021. Collection method: clinical testing. Allele origin: germline. Affected: yes.
Comment: Published functional studies found this variant is associated with abnormal protein trafficking (PMID: 19101985); In silico analysis supports that this missense variant has a deleterious effect on protein structure/function; This variant is associated with the following publications: (PMID: 25716872, 29238877, 31130284, 33915153, 35150601, 36995996, 19101985, 18395098, 20232290)

Genomic Medicine Center of Excellence, King Faisal Specialist Hospital and Research Centre
Classification: Pathogenic for Progressive familial intrahepatic cholestasis type 2. Last evaluated: 2024-03-14. Review status: criteria provided, single submitter. Criteria: ACMG Guidelines, 2015. Collection method: research. Allele origin: germline.

Baylor Genetics
Classification: Pathogenic for Benign recurrent intrahepatic cholestasis type 2. Last evaluated: 2024-01-30. Review status: criteria provided, single submitter. Criteria: ACMG Guidelines, 2015. Collection method: clinical testing. Allele origin: unknown.

Labcorp Genetics (formerly Invitae), Labcorp
Classification: Pathogenic. Last evaluated: 2023-12-16. Review status: criteria provided, single submitter. Criteria: Invitae Variant Classification Sherloc (09022015). Collection method: clinical testing. Allele origin: germline.
Comment: This sequence change replaces arginine, which is basic and polar, with cysteine, which is neutral and slightly polar, at codon 1128 of the ABCB11 protein (p.Arg1128Cys). This variant is present in population databases (rs764581483, gnomAD 0.004%). This missense change has been observed in individuals with progressive familial intrahepatic cholestasis (PMID: 18395098, 20232290, 25716872). It has also been observed to segregate with disease in related individuals. ClinVar contains an entry for this variant (Variation ID: 639640). Advanced modeling of protein sequence and biophysical properties (such as structural, functional, and spatial information, amino acid conservation, physicochemical variation, residue mobility, and thermodynamic stability) performed at Invitae indicates that this missense variant is expected to disrupt ABCB11 protein function with a positive predictive value of 95%. Experimental studies have shown that this missense change affects ABCB11 function (PMID: 19101985, 25716872). For these reasons, this variant has been classified as Pathogenic.

Clinical Genetics Laboratory, Skane University Hospital Lund
Classification: Pathogenic. Last evaluated: 2022-07-13. Review status: criteria provided, single submitter. Criteria: ACMG Guidelines, 2015. Collection method: clinical testing. Allele origin: germline. Affected: yes.

3billion
Classification: Pathogenic for Progressive familial intrahepatic cholestasis type 2. Last evaluated: 2022-05-22. Review status: criteria provided, single submitter. Criteria: ACMG Guidelines, 2015. Collection method: clinical testing. Allele origin: germline. Affected: yes. Observed: 1 heterozygote.
Comment: The variant is observed at an extremely low frequency in the gnomAD v2.1.1 dataset (total allele frequency: 0.002%). Functional studies provide strong evidence of the variant having a damaging effect on the gene or gene product (PMID:25716872). In silico tool predictions suggest damaging effect of the variant on gene or gene product (REVEL: 0.84; 3Cnet: 0.83). Same nucleotide change resulting in same amino acid change has been previously reported to be associated with ABCB11 related disorder (ClinVar ID: VCV000639640 / PMID: 18395098). The variant has been reported to be in trans with a pathogenic variant as either compound heterozygous or homozygous in at least one similarly affected unrelated individual (PMID: 18395098, 20232290, 25716872). Different missense changes at the same codon (p.Arg1128Gly, p.Arg1128His) have been reported to be associated with ABCB11 related disorder (ClinVar ID: VCV000973515 / PMID: 15300568). Therefore, this variant is classified as pathogenic according to the recommendation of ACMG/AMP guideline.

Rolfs Rare Disease Consulting, Rolfs Consulting Und Verwaltungs GmbH
Classification: Pathogenic for Progressive familial intrahepatic cholestasis type 2. Last evaluated: 2022-01-01. Review status: criteria provided, single submitter. Criteria: ACMG Guidelines, 2015. Collection method: clinical testing. Allele origin: germline. Affected: yes.

Blueprint Genetics
Classification: Pathogenic for ABCB11-related disorders. Last evaluated: 2021-01-19. Review status: criteria provided, single submitter. Criteria: ACMG Guidelines, 2015. Collection method: clinical testing. Allele origin: germline. Affected: yes. Observed: 3 variant alleles.

PreventionGenetics, part of Exact Sciences
Classification: Pathogenic for ABCB11-related condition. Last evaluated: 2024-07-02. Review status: no assertion criteria provided. Collection method: clinical testing. Allele origin: germline. Not counted in ClinVar's aggregate classification.
Comment: The ABCB11 c.3382C>T variant is predicted to result in the amino acid substitution p.Arg1128Cys. This variant has been reported in the heterozygous and homozygous states in multiple individuals with cholestasis (Strautnieks et al. 2008. PubMed ID: 18395098; Davit-Spraul et al. 2010. PubMed ID: 20232290; Gonzales et al. 2015. PubMed ID: 25716872; Vitale et al. 2018. PubMed ID: 29238877; Al-Hussaini et al. 2021. PubMed ID: 33915153). In vitro studies suggest that the p.Arg1128C variant leads to a loss of protein expression at the surface of the canalicular membrane due to retention and degradation of the mutant protein in the endoplasmic reticulum (Byrne et al. 2009. PubMed ID: 19101985; Gonzales et al. 2015. PubMed ID: 25716872). This variant is reported in 0.0037% of alleles in individuals of European (Non-Finnish) descent in gnomAD. Two other missense variants at the same amino acid residue (p.Arg1128His, p.Arg1128Gly) have been reported in individuals with ABCB11-related phenotypes (van Mil et al. 2004. PubMed ID: 15300568; Byrne et al. 2009. PubMed ID: 19101985; Mitra et al. 2019. PubMed ID: 31335238; Huynh et al. 2019. PubMed ID: 31538484). This variant is interpreted as pathogenic.

Literature cited by the submitters: PubMed 39143102 (cited by Genomenon, Inc); PubMed 37697751 (cited by Genomenon, Inc and Women's Health and Genetics/Laboratory Corporation of America, LabCorp); PubMed 36995996 (cited by Genomenon, Inc); PubMed 33915153 (cited by Genomenon, Inc); PubMed 32087350 (cited by Genomenon, Inc); PubMed 29238877 (cited by Genomenon, Inc); PubMed 28039895 (cited by Genomenon, Inc and Natera, Inc.); PubMed 18639688 (cited by Genomenon, Inc); PubMed 18395098 (cited by 5 submitters); PubMed 20232290 (cited by 4 submitters); PubMed 40508041 (cited by Genomenon, Inc); PubMed 40195555 (cited by Genomenon, Inc); PubMed 19101985 (cited by 3 submitters); PubMed 25716872 (cited by Labcorp Genetics (formerly Invitae), Labcorp and 3billion); PubMed 15300568 (cited by 3billion).